The following is an entry in ClinVar:

NM_001166108.2(PALLD):c.2636G>C (p.Cys879Ser)

Genes: CBR4 (carbonyl reductase 4; minus strand), PALLD (palladin, cytoskeletal associated protein; plus strand). Cytogenetic location: 4q32.3.
Variant type: single nucleotide variant.
Coding change: c.2636G>C on transcript NM_001166108.2 (MANE Select); coding-DNA position 2636, G replaced by C.
Protein change: p.Cys879Ser; replaces cysteine 879 with serine.
Molecular consequence: missense variant.
Genome position (GRCh38, 1-based): chr4:168,913,940, G>C. VCF-style: chr4-168913940-G-C. GRCh37 (hg19) VCF-style: chr4-169835091-G-C.
Other names: c.1439G>C, p.Cys480Ser (NM_001166109.2); c.1124G>C, p.Cys375Ser (NM_001166110.2); c.464G>C, p.Cys155Ser (NM_001367567.1, NM_001367569.1); c.515G>C, p.Cys172Ser (NM_001367568.1, NM_001367570.1); c.2585G>C, p.Cys862Ser (NM_016081.4); short protein forms C879S, C480S, C862S, C375S, C155S, C172S.
Identifiers: ClinVar variation 4130405 (VCV004130405.1).
Genomic context (GRCh38, chr4:168,913,940, plus strand): 5'-TTAATAGTTTTAAATAGCAAATCATTTATTTCCTGATATTTCTACAGGGCCGCATCAGTT[G>C]TACTGGACGGCTAATGGTACAGGCTGTCAACCAAAGAGGTCGAAGTCCCCGGTCTCCCTC-3'
Protein context (NP_001159580.1, residues 869-889): MAANPQGRIS[Cys879Ser]TGRLMVQAVN

ClinVar aggregate classification (germline): Uncertain significance (1 of 4 stars; one submission).

Submission:

Ambry Genetics
Classification: Uncertain significance. Last evaluated: 2025-07-12. Review status: criteria provided, single submitter. Criteria: Ambry Variant Classification Scheme 2023. Collection method: clinical testing. Allele origin: germline.
Comment: The p.C375S variant (also known as c.1124G>C), located in coding exon 6 of the PALLD gene, results from a G to C substitution at nucleotide position 1124. The cysteine at codon 375 is replaced by serine, an amino acid with dissimilar properties. This amino acid position is conserved. In addition, this alteration is predicted to be deleterious by in silico analysis. Based on the available evidence, the clinical significance of this variant remains unclear.